The following is an entry in ClinVar:

NM_198271.5(LMOD3):c.366G>T (p.Lys122Asn)

Gene: LMOD3 (leiomodin 3; minus strand). Cytogenetic location: 3p14.1.
Variant type: single nucleotide variant.
Coding change: c.366G>T on transcript NM_198271.5 (MANE Select); coding-DNA position 366, G replaced by T.
Protein change: p.Lys122Asn; replaces lysine 122 with asparagine.
Molecular consequence: missense variant.
Genome position (GRCh38, 1-based): chr3:69,119,989, C>A on the plus strand (G>T on the coding strand, the complement: LMOD3 is on the minus strand). VCF-style: chr3-69119989-C-A. GRCh37 (hg19) VCF-style: chr3-69169140-C-A.
Other names: c.366G>T, p.Lys122Asn (NM_001304418.3); short protein forms K122N.
Identifiers: ClinVar variation 1352265 (VCV001352265.8), dbSNP rs759804680, ClinGen allele CA2489003.
Genomic context (GRCh38, chr3:69,119,989, plus strand): 5'-TTCTTGGATATTGCTGCTGCCCTTTGATTCTCTTTTATTTGCAACTATTTCATTATTGAG[C>A]TTTTCTTTTAAATACTGGGCCATATTTTTATTACGTTTTTCTATTTCTTCATGCTCTTCT-3'
Protein context (NP_938012.2, residues 112-132): NKNMAQYLKE[Lys122Asn]LNNEIVANKR

ClinVar aggregate classification (germline): Uncertain significance (1 of 4 stars; one submission).

Conditions:
Nemaline myopathy 10 (NEM10). Identifiers: MedGen C4015360, MONDO:0014513, OMIM 616165.

Allele frequency attached by ClinVar (database versions not stated): gnomAD exomes 0.00001; ExAC 0.00002.

Submission:

Labcorp Genetics (formerly Invitae), Labcorp
Classification: Uncertain significance for Nemaline myopathy 10. Last evaluated: 2021-07-19. Review status: criteria provided, single submitter. Criteria: Invitae Variant Classification Sherloc (09022015). Collection method: clinical testing. Allele origin: germline.
Comment: This sequence change replaces lysine with asparagine at codon 122 of the LMOD3 protein (p.Lys122Asn). The lysine residue is moderately conserved and there is a moderate physicochemical difference between lysine and asparagine. This variant is present in population databases (rs759804680, ExAC 0.003%). This variant has not been reported in the literature in individuals affected with LMOD3-related conditions. Algorithms developed to predict the effect of missense changes on protein structure and function output the following: SIFT: "Tolerated"; PolyPhen-2: "Benign"; Align-GVGD: "Class C0". The asparagine amino acid residue is found in multiple mammalian species, which suggests that this missense change does not adversely affect protein function. In summary, the available evidence is currently insufficient to determine the role of this variant in disease. Therefore, it has been classified as a Variant of Uncertain Significance.